The following is an entry in ClinVar:

NM_001148.6(ANK2):c.5786C>T (p.Ser1929Leu)

Genes: ANK2 (ankyrin 2; plus strand), LOC126807136 (MED14-independent group 3 enhancer GRCh37_chr4:114274931-114276130; plus strand). Cytogenetic location: 4q26.
Variant type: single nucleotide variant.
Coding change: c.5786C>T on transcript NM_001148.6 (MANE Select); coding-DNA position 5786, C replaced by T.
Protein change: p.Ser1929Leu; replaces serine 1929 with leucine.
Molecular consequence: missense variant. On other transcripts: intron variant (68).
Genome position (GRCh38, 1-based): chr4:113,354,404, C>T. VCF-style: chr4-113354404-C-T. GRCh37 (hg19) VCF-style: chr4-114275560-C-T.
Other names: c.5552C>T, p.Ser1851Leu (NM_001386142.1); c.2186C>T, p.Ser729Leu (NM_001386166.1); c.5927C>T, p.Ser1976Leu (NM_001386174.1); c.5903C>T, p.Ser1968Leu (NM_001386175.1); c.4411+4155C>T (NM_001386186.2, NM_001386148.2); c.4213+4155C>T (NM_001354269.3); c.4291+4155C>T (NM_001386187.2); c.4252+4155C>T (NM_001386147.1); and 35 more; short protein forms S1968L, S1851L, S1929L, S1976L, S729L.
Identifiers: ClinVar variation 1367826 (VCV001367826.10), dbSNP rs779278730, ClinGen allele CA3051297.

ClinVar aggregate classification (germline): Uncertain significance (1 of 4 stars; one submission).

Conditions:
Long QT syndrome (LQTS). Identifiers: MedGen C0023976, MeSH D008133, MONDO:0002442. Disease mechanism: loss of function. Inheritance: Various modes of inheritance.

Allele frequency attached by ClinVar (database versions not stated): gnomAD 0.00001; gnomAD exomes 0.00001 and 0.00002; ExAC 0.00002; TOPMed 0.00003.
gnomAD v4.1: 11 of 1,613,972 alleles (0.00068%); highest among the groups gnomAD compares: East Asian, 0.018%; no homozygotes.

Submission:

Labcorp Genetics (formerly Invitae), Labcorp
Classification: Uncertain significance for Long QT syndrome. Last evaluated: 2024-07-21. Review status: criteria provided, single submitter. Criteria: Invitae Variant Classification Sherloc (09022015). Collection method: clinical testing. Allele origin: germline.
Comment: This sequence change replaces serine, which is neutral and polar, with leucine, which is neutral and non-polar, at codon 1929 of the ANK2 protein (p.Ser1929Leu). The frequency data for this variant in the population databases is considered unreliable, as metrics indicate poor data quality at this position in the gnomAD database. This variant has not been reported in the literature in individuals affected with ANK2-related conditions. ClinVar contains an entry for this variant (Variation ID: 1367826). An algorithm developed to predict the effect of missense changes on protein structure and function (PolyPhen-2) suggests that this variant is likely to be disruptive. In summary, the available evidence is currently insufficient to determine the role of this variant in disease. Therefore, it has been classified as a Variant of Uncertain Significance.